The following is an entry in ClinVar:

ClinVar aggregate classification (germline): Uncertain significance (1 of 4 stars; one submission).

Allele frequency attached by ClinVar (database versions not stated): ExAC 0.00001; gnomAD exomes 0.00001.

Submission:

Labcorp Genetics (formerly Invitae), Labcorp
Classification: Uncertain significance. Last evaluated: 2021-09-17. Review status: criteria provided, single submitter. Criteria: Invitae Variant Classification Sherloc (09022015). Collection method: clinical testing. Allele origin: germline.
Comment: This sequence change replaces isoleucine with leucine at codon 4580 of the USH2A protein (p.Ile4580Leu). The isoleucine residue is moderately conserved and there is a small physicochemical difference between isoleucine and leucine. This variant is present in population databases (rs766887390, ExAC 0.001%). This variant has not been reported in the literature in individuals with USH2A-related conditions. Algorithms developed to predict the effect of missense changes on protein structure and function output the following: SIFT: "Tolerated"; PolyPhen-2: "Benign"; Align-GVGD: "Class C0". The leucine amino acid residue is found in multiple mammalian species, suggesting that this missense change does not adversely affect protein function. These predictions have not been confirmed by published functional studies and their clinical significance is uncertain. In summary, the available evidence is currently insufficient to determine the role of this variant in disease. Therefore, it has been classified as a Variant of Uncertain Significance.

NM_206933.4(USH2A):c.13738A>T (p.Ile4580Leu)

Gene: USH2A (usherin; minus strand). Cytogenetic location: 1q41.
Variant type: single nucleotide variant.
Coding change: c.13738A>T on transcript NM_206933.4 (MANE Select); coding-DNA position 13738, A replaced by T.
Protein change: p.Ile4580Leu; replaces isoleucine 4580 with leucine.
Molecular consequence: missense variant.
Genome position (GRCh38, 1-based): chr1:215,674,173, T>A on the plus strand (A>T on the coding strand, the complement: USH2A is on the minus strand). VCF-style: chr1-215674173-T-A. GRCh37 (hg19) VCF-style: chr1-215847515-T-A.
Other names: short protein forms I4580L.
Identifiers: ClinVar variation 1508930 (VCV001508930.5), dbSNP rs766887390, ClinGen allele CA1393232.